The following is an entry in ClinVar:

NM_000443.4(ABCB4):c.3127T>C (p.Tyr1043His)

Gene: ABCB4 (ATP binding cassette subfamily B member 4; minus strand). Cytogenetic location: 7q21.12.
Variant type: single nucleotide variant.
Coding change: c.3127T>C on transcript NM_000443.4 (MANE Select); coding-DNA position 3127, T replaced by C.
Protein change: p.Tyr1043His; replaces tyrosine 1043 with histidine.
Molecular consequence: missense variant.
Genome position (GRCh38, 1-based): chr7:87,408,189, A>G on the plus strand (T>C on the coding strand, the complement: ABCB4 is on the minus strand). VCF-style: chr7-87408189-A-G. GRCh37 (hg19) VCF-style: chr7-87037505-A-G.
Other names: c.3127T>C, p.Tyr1043His (NM_018849.3); c.2986T>C, p.Tyr996His (NM_018850.3); short protein forms Y1043H, Y996H.
Identifiers: ClinVar variation 4846675 (VCV004846675.1).

ClinVar aggregate classification (germline): Uncertain significance (1 of 4 stars; one submission).

Conditions:
Familial intrahepatic cholestasis. Identifiers: Orphanet 284385, MedGen CN296401, MONDO:0017290.
Low phospholipid associated cholelithiasis (GBD1). Also called: Gallbladder disease 1; Gallstone cholecystitis. Identifiers: Orphanet 69663, MedGen C2609268, MONDO:0010939, OMIM 600803.

Submission:

Genomenon, Inc
Classification: Uncertain significance for Familial intrahepatic cholestasis; Low phospholipid associated cholelithiasis. Last evaluated: 2026-04-14. Review status: criteria provided, single submitter. Criteria: Genomenon Sequence Variant Interpretation Standards - Updated. Collection method: curation. Allele origin: germline. Affected: no.
Comment: ABCB4 p.Tyr1043His (c.3127T>C) is a missense variant that changes the amino acid at residue 1043 from Tyrosine to Histidine. To our knowledge, this variant has not been reported in patients affected with an ABCB4-related disorder in the published literature. At least one functional study has demonstrated a substantial alteration in protein function relative to the wild-type (PMID:36674751). It is absent or not present at a significant frequency in gnomAD. In silico models predict that this variant is possibly or probably damaging. In conclusion, we classify ABCB4 p.Tyr1043His (c.3127T>C) as a variant of uncertain significance.

Literature cited by the submitters: PubMed 36674751.